The following is an entry in ClinVar:

ClinVar aggregate classification (germline): Pathogenic. Review status: criteria provided, multiple submitters, no conflicts (2 of 4 stars). 7 submissions from 7 submitters: Pathogenic (4). 3 of the submissions do not count toward it. Last evaluated 2025-11-16.

Conditions:
Neuropathy, hereditary sensory and autonomic, type 1A (HSAN1A). Also called: NEUROPATHY, HEREDITARY SENSORY AND AUTONOMIC, TYPE IA; SPTLC1-Related Hereditary Sensory Neuropathy; HSAN IA; HSN IA; NEUROPATHY, HEREDITARY SENSORY RADICULAR, AUTOSOMAL DOMINANT, TYPE 1A. Identifiers: MedGen C5235211, MONDO:0008086, OMIM 162400.
SPTLC1-related disorder. Also called: SPTLC1-related condition.
Charcot-Marie-Tooth disease. Also called: Charcot-Marie-Tooth Neuropathy; Charcot-Marie-Tooth Hereditary Neuropathy. Identifiers: Orphanet 166, MedGen C0007959, MONDO:0015626.
Hereditary sensory and autonomic neuropathy type 1 (HSAN1). Also called: HSN Type I; HSAN 1; Hereditary Sensory Neuropathy Type I. Identifiers: Orphanet 36386, MedGen C0020071, MONDO:0018213.
Sensorimotor neuropathy. Identifiers: MedGen C1112256, HP:0007141.

Allele frequency attached by ClinVar (database versions not stated): gnomAD exomes below 0.00001.
gnomAD v4.1: 1 of 1,614,134 alleles (0.000062%); highest among the groups gnomAD compares: Non-Finnish European, 0.000085%; no homozygotes.

Submissions (7):

Labcorp Genetics (formerly Invitae), Labcorp
Classification: Pathogenic for Hereditary sensory and autonomic neuropathy type 1. Last evaluated: 2025-11-16. Review status: criteria provided, single submitter. Criteria: Invitae Variant Classification Sherloc (09022015). Collection method: clinical testing. Allele origin: germline.
Comment: This sequence change replaces cysteine, which is neutral and slightly polar, with tryptophan, which is neutral and slightly polar, at codon 133 of the SPTLC1 protein (p.Cys133Trp). This variant is not present in population databases (gnomAD no frequency). This missense change has been observed in individuals with hereditary sensory and autonomic neuropathy type 1 (HSAN1) (PMID: 11242106, 11242114, 16364956, 18018475, 22302274, 26681808). ClinVar contains an entry for this variant (Variation ID: 4803). Invitae Evidence Modeling of protein sequence and biophysical properties (such as structural, functional, and spatial information, amino acid conservation, physicochemical variation, residue mobility, and thermodynamic stability) indicates that this missense variant is expected to disrupt SPTLC1 protein function with a positive predictive value of 80%. Experimental studies have shown that this missense change affects SPTLC1 function (PMID: 14990347, 16210380, 19132419, 19923297). This variant disrupts the p.Cys133 amino acid residue in SPTLC1. Other variant(s) that disrupt this residue have been determined to be pathogenic (PMID: 11242106, 11242114, 15546589). This suggests that this residue is clinically significant, and that variants that disrupt this residue are likely to be disease-causing. For these reasons, this variant has been classified as Pathogenic.

CeGaT Center for Human Genetics Tuebingen
Classification: Pathogenic. Last evaluated: 2024-07-01. Review status: criteria provided, single submitter. Criteria: CeGaT Center For Human Genetics Tuebingen Variant Classification Criteria Version 2. Collection method: clinical testing. Allele origin: germline. Affected: yes. Observed: 1 variant allele.
Comment: SPTLC1: PS3, PM2, PM5, PS4:Moderate, PP3

Blueprint Genetics
Classification: Pathogenic for SPTLC1-related disorders. Last evaluated: 2023-02-01. Review status: criteria provided, single submitter. Criteria: ACMG Guidelines, 2015. Collection method: clinical testing. Allele origin: germline. Affected: yes. Observed: 2 variant alleles.

Molecular Genetics Laboratory, London Health Sciences Centre
Classification: Pathogenic for Charcot-Marie-Tooth disease. Review status: criteria provided, single submitter. Criteria: ACMG Guidelines, 2015. Collection method: clinical testing. Allele origin: germline. Affected: yes.

OMIM
Classification: Pathogenic for NEUROPATHY, HEREDITARY SENSORY, TYPE IA. Last evaluated: 2010-07-23. Review status: no assertion criteria provided. Collection method: literature only. Allele origin: germline. Not counted in ClinVar's aggregate classification.

GeneReviews
No classification provided. Condition: Neuropathy, hereditary sensory and autonomic, type 1A. Review status: no classification provided. Collection method: literature only. Allele origin: unknown. Not counted in ClinVar's aggregate classification.

NIHR Bioresource Rare Diseases, University of Cambridge
Classification: Pathogenic for Sensorimotor neuropathy. Review status: no assertion criteria provided. Collection method: research. Allele origin: unknown. Affected: yes. Observed: 1 variant allele. Not counted in ClinVar's aggregate classification.

Literature cited by the submitters: PubMed 11242106 (cited by Labcorp Genetics (formerly Invitae), Labcorp and OMIM); PubMed 11242114 (cited by Labcorp Genetics (formerly Invitae), Labcorp and OMIM); PubMed 16364956 (cited by Labcorp Genetics (formerly Invitae), Labcorp); PubMed 18018475 (cited by Labcorp Genetics (formerly Invitae), Labcorp); PubMed 22302274 (cited by Labcorp Genetics (formerly Invitae), Labcorp); PubMed 26681808 (cited by Labcorp Genetics (formerly Invitae), Labcorp); PubMed 14990347 (cited by Labcorp Genetics (formerly Invitae), Labcorp); PubMed 16210380 (cited by Labcorp Genetics (formerly Invitae), Labcorp); PubMed 19132419 (cited by Labcorp Genetics (formerly Invitae), Labcorp); PubMed 19923297 (cited by Labcorp Genetics (formerly Invitae), Labcorp); PubMed 15546589 (cited by Labcorp Genetics (formerly Invitae), Labcorp); PubMed 11479835 (cited by OMIM); PubMed 14152213 (cited by OMIM); Hicks, E. P. Hereditary perforating ulcer of the foot. Lancet 199: 319-321, 1922. Note: Originally Volume I. (cited by OMIM); PubMed 20504773 (cited by OMIM); PubMed 20301564 (cited by GeneReviews); NCBI Bookshelf NBK1390 (cited by GeneReviews); PubMed 32581362 (cited by NIHR Bioresource Rare Diseases, University of Cambridge).

NM_006415.4(SPTLC1):c.399T>G (p.Cys133Trp)

Gene: SPTLC1 (serine palmitoyltransferase long chain base subunit 1; minus strand). Cytogenetic location: 9q22.31.
Variant type: single nucleotide variant.
Coding change: c.399T>G on transcript NM_006415.4 (MANE Select); coding-DNA position 399, T replaced by G.
Protein change: p.Cys133Trp; replaces cysteine 133 with tryptophan.
Molecular consequence: missense variant. On other transcripts: 5 prime UTR variant (2).
Genome position (GRCh38, 1-based): chr9:92,080,044, A>C on the plus strand (T>G on the coding strand, the complement: SPTLC1 is on the minus strand). VCF-style: chr9-92080044-A-C. GRCh37 (hg19) VCF-style: chr9-94842326-A-C.
Other names: c.399T>G, p.Cys133Trp (NM_001281303.2, NM_178324.3, LRG_272t1); c.-101T>G (NM_001368272.1); c.-67T>G (NM_001368273.1); short protein forms C133W.
Identifiers: ClinVar variation 4803 (VCV000004803.33), dbSNP rs119482082, ClinGen allele CA340293.
Genomic context (GRCh38, chr9:92,080,044, plus strand): 5'-GTAGTCTCAAAGAGAACACAACAAAAACTTACCAAATGTGCCATAAAATCCTCTGGGTCC[A>C]CAAGTCCCCACGCCATACTTCTTTAGAGATGCTAAAGCTGCTGCCTTTATTGAAGTACAA-3'
Protein context (NP_006406.1, residues 123-143): ASLKKYGVGT[Cys133Trp]GPRGFYGTFD